The following is an entry in ClinVar:

ClinVar aggregate classification (germline): Conflicting classifications of pathogenicity. Review status: criteria provided, conflicting classifications (1 of 4 stars). 5 submissions from 5 submitters: Pathogenic (3); Uncertain significance (1). 1 of the submissions does not count toward it. Last evaluated 2024-11-05.

Conditions:
Wolfram syndrome 1 (WFS1). Identifiers: Orphanet 3463, MedGen C4551693, MONDO:0009101, OMIM 222300.

Allele frequency attached by ClinVar (database versions not stated): ExAC 0.00003; gnomAD 0.00007 and 0.00008; gnomAD exomes 0.00003; TOPMed 0.00005.
gnomAD v4.1: 47 of 1,612,686 alleles (0.0029%); highest among the groups gnomAD compares: African/African-American, 0.017%; no homozygotes.

Submissions (5):

Labcorp Genetics (formerly Invitae), Labcorp
Classification: Pathogenic. Last evaluated: 2024-11-05. Review status: criteria provided, single submitter. Criteria: Invitae Variant Classification Sherloc (09022015). Collection method: clinical testing. Allele origin: germline.
Comment: This sequence change replaces proline, which is neutral and non-polar, with leucine, which is neutral and non-polar, at codon 724 of the WFS1 protein (p.Pro724Leu). This variant is present in population databases (rs28937890, gnomAD 0.03%). This missense change has been observed in individuals with autosomal recessive Wolfram syndrome (PMID: 9771706, 24890733). It has also been observed to segregate with disease in related individuals. ClinVar contains an entry for this variant (Variation ID: 4509). Invitae Evidence Modeling of protein sequence and biophysical properties (such as structural, functional, and spatial information, amino acid conservation, physicochemical variation, residue mobility, and thermodynamic stability) indicates that this missense variant is expected to disrupt WFS1 protein function with a positive predictive value of 95%. Experimental studies have shown that this missense change affects WFS1 function (PMID: 16195229, 16806192). For these reasons, this variant has been classified as Pathogenic.

GeneDx
Classification: Pathogenic. Last evaluated: 2023-07-11. Review status: criteria provided, single submitter. Criteria: GeneDx Variant Classification Process June 2021. Collection method: clinical testing. Allele origin: germline. Affected: yes.
Comment: Published functional studies demonstrate a damaging effect resulting in abnormal ERSE reporter activity in pancreatic beta-cells (Fonseca et al., 2005; De Franco et al., 2017); In silico analysis supports that this missense variant has a deleterious effect on protein structure/function; This variant is associated with the following publications: (PMID: 22983116, 20160352, 11709537, 11317350, 12955714, 24424032, 26435059, 16806192, 21454619, 28468959, 24227685, 27434582, 11244483, 34406036, 34848728, 37185285, 12618560, 24890733, 30245029, 9771706, 33663443, 27395765, 34404380, 36208030, 25211237, 16195229)

Athena Diagnostics
Classification: Pathogenic. Last evaluated: 2020-09-04. Review status: criteria provided, single submitter. Criteria: Athena Diagnostics criteria. Collection method: clinical testing. Allele origin: unknown.
Comment: The frequency of this variant in the general population is consistent with pathogenicity. This variant has been associated with autosomal recessive Wolfram Syndrome (PMID: 9771706, 24890733) and autosomal recessive Optic Atrophy (PMID: 27395765). This variant segregates with disease in at least one family. Assessment of experimental evidence suggests this variant results in abnormal protein function. This variant abrogates the ability of WFS1 to negatively regulate ATF6-alpha, a transcription factor that is responsible for upregulating stress signaling targets, thereby causing ER-stress mediated apoptosis in pancreatic beta-cells (PMID: 20160352). In multiple individuals, this variant has been seen with a single recessive pathogenic variant in the same gene, suggesting this variant may also be pathogenic. Computational tools predict that this variant is damaging.

ARUP Laboratories, Molecular Genetics and Genomics, ARUP Laboratories
Classification: Uncertain significance. Last evaluated: 2018-05-03. Review status: criteria provided, single submitter. Criteria: ARUP Molecular Germline Variant Investigation Process. Collection method: clinical testing. Allele origin: germline.
Comment: The WFS1 c.2171C>T; p.Pro724Leu variant (rs28937890) has been previously observed as a homozygote in a pair of siblings from a consanguineous Japanese family with a Wolfram syndrome phenotype (minimally, juvenile-onset diabetes mellitus and optic atrophy; Inoue 1998). Numerous functional studies have demonstrated that this variant effects WFS1 protein stability (Hofmann 2006), localization (Fonseca 2005), increased tendency for aggregation (De Franco 2017), and interactions with ATF6 (Fonseca 2010). This variant is found in the general population with an overall allele frequency of 0.003% (8/243,604 alleles) in the Genome Aggregation Database. Based on the available information, the clinical significance of this variant cannot be determined with certainty. De Franco E et al. Dominant ER Stress-Inducing WFS1 Mutations Underlie a Genetic Syndrome of Neonatal/Infancy-Onset Diabetes, Congenital Sensorineural Deafness, and Congenital Cataracts. Diabetes. 2017 Jul;66(7):2044-2053. Fonseca SG et al. WFS1 is a novel component of the unfolded protein response and maintains homeostasis of the endoplasmic reticulum in pancreatic beta-cells. J Biol Chem. 2005 Nov 25;280(47):39609-15 Fonseca SG et al. Wolfram syndrome 1 gene negatively regulates ER stress signaling in rodent and human cells. J Clin Invest. 2010 Mar;120(3):744-55. Hofmann S and Bauer M. Wolfram syndrome-associated mutations lead to instability and proteasomal degradation of wolframin. FEBS Lett. 2006 Jul 10;580(16):4000-4. Inoue H et al. A gene encoding a transmembrane protein is mutated in patients with diabetes mellitus and optic atrophy (Wolfram syndrome). Nat Genet. 1998 Oct;20(2):143-8.

OMIM
Classification: Pathogenic for WOLFRAM SYNDROME 1. Last evaluated: 1998-10-01. Review status: no assertion criteria provided. Collection method: literature only. Allele origin: germline. Not counted in ClinVar's aggregate classification.

Literature cited by the submitters: PubMed 9771706 (cited by 3 submitters); PubMed 24890733 (cited by Labcorp Genetics (formerly Invitae), Labcorp and Athena Diagnostics); PubMed 16195229 (cited by Labcorp Genetics (formerly Invitae), Labcorp and Athena Diagnostics); PubMed 16806192 (cited by Labcorp Genetics (formerly Invitae), Labcorp and Athena Diagnostics); PubMed 28468959 (cited by Athena Diagnostics); PubMed 20160352 (cited by Athena Diagnostics); PubMed 27395765 (cited by Athena Diagnostics); PubMed 27434582 (cited by Athena Diagnostics); PubMed 25211237 (cited by Athena Diagnostics); PubMed 21454619 (cited by Athena Diagnostics); PubMed 24424032 (cited by Athena Diagnostics); PubMed 24227685 (cited by Athena Diagnostics).

NM_006005.3(WFS1):c.2171C>T (p.Pro724Leu)

Gene: WFS1 (wolframin ER transmembrane glycoprotein; plus strand). Cytogenetic location: 4p16.1.
Variant type: single nucleotide variant.
Coding change: c.2171C>T on transcript NM_006005.3 (MANE Select); coding-DNA position 2171, C replaced by T.
Protein change: p.Pro724Leu; replaces proline 724 with leucine.
Molecular consequence: missense variant.
Genome position (GRCh38, 1-based): chr4:6,301,966, C>T. VCF-style: chr4-6301966-C-T. GRCh37 (hg19) VCF-style: chr4-6303693-C-T.
Other names: c.2171C>T, p.Pro724Leu (NM_001145853.1); short protein forms P724L.
Identifiers: ClinVar variation 4509 (VCV000004509.20), dbSNP rs28937890, ClinGen allele CA253184.